The following is an entry in ClinVar:

NM_000127.3(EXT1):c.1126C>T (p.Gln376Ter)

Gene: EXT1 (exostosin glycosyltransferase 1; minus strand). Cytogenetic location: 8q24.11.
Variant type: single nucleotide variant.
Coding change: c.1126C>T on transcript NM_000127.3 (MANE Select); coding-DNA position 1126, C replaced by T.
Protein change: p.Gln376Ter; replaces glutamine 376 with a stop codon.
Molecular consequence: nonsense.
Genome position (GRCh38, 1-based): chr8:117,835,482, G>A on the plus strand (C>T on the coding strand, the complement: EXT1 is on the minus strand). VCF-style: chr8-117835482-G-A. GRCh37 (hg19) VCF-style: chr8-118847721-G-A.
Other names: short protein forms Q376*.
Identifiers: ClinVar variation 847967 (VCV000847967.9), dbSNP rs1812173838, ClinGen allele CA371892118.

ClinVar aggregate classification (germline): Pathogenic (1 of 4 stars; one submission).

Conditions:
Multiple congenital exostosis (EXT). Also called: MULTIPLE CARTILAGINOUS EXOSTOSES; Hereditary multiple exostoses; Hereditary multiple exostosis; Multiple osteochondromas; Hereditary multiple osteochondromas; Multiple exostoses. Identifiers: Orphanet 321, MedGen C0015306, MONDO:0005508, HP:0002762.

Submission:

Labcorp Genetics (formerly Invitae), Labcorp
Classification: Pathogenic for Multiple congenital exostosis. Last evaluated: 2019-07-06. Review status: criteria provided, single submitter. Criteria: Invitae Variant Classification Sherloc (09022015). Collection method: clinical testing. Allele origin: germline.
Comment: This sequence change creates a premature translational stop signal (p.Gln376*) in the EXT1 gene. It is expected to result in an absent or disrupted protein product. This variant is not present in population databases (ExAC no frequency). This variant has been observed in an individual affected with hereditary multiple osteochondromatosis (PMID: 19810120). Loss-of-function variants in EXT1 are known to be pathogenic (PMID: 10679937, 11391482, 19810120). For these reasons, this variant has been classified as Pathogenic.

Literature cited by the submitters: PubMed 19810120; PubMed 10679937; PubMed 11391482.